The following is an entry in ClinVar:

NM_032043.3(BRIP1):c.3630T>C (p.Asp1210=)

Gene: BRIP1 (BRCA1 interacting DNA helicase 1; minus strand). Cytogenetic location: 17q23.2.
Variant type: single nucleotide variant.
Coding change: c.3630T>C on transcript NM_032043.3 (MANE Select); coding-DNA position 3630, T replaced by C.
Protein change: p.Asp1210=; no amino-acid change (aspartic acid 1210 retained).
Molecular consequence: synonymous variant.
Genome position (GRCh38, 1-based): chr17:61,683,416, A>G on the plus strand (T>C on the coding strand, the complement: BRIP1 is on the minus strand). VCF-style: chr17-61683416-A-G. GRCh37 (hg19) VCF-style: chr17-59760777-A-G.
Identifiers: ClinVar variation 1085419 (VCV001085419.11), dbSNP rs2144069414, ClinGen allele CA501335155.
Genomic context (GRCh38, chr17:61,683,416, plus strand): 5'-TTCTATTTCATGAGTTTTTCCCAGTTCCAGTTCATTTATCCAAGTTGTTTTTACATTACC[A>G]TCAATGTCATCAATTTTACTTTCTTCAATATGCAGAATTCCATTCAACTTTGTATCTATG-3'
Protein context (NP_114432.2, residues 1200-1220): HIEESKIDDI[Asp1210=]GNVKTTWINE

ClinVar aggregate classification (germline): Benign/Likely benign. Review status: criteria provided, multiple submitters, no conflicts (2 of 4 stars). 2 submissions from 2 submitters: Benign (1); Likely benign (1). Last evaluated 2024-09-10.

Conditions:
Familial cancer of breast. Also called: BREAST CANCER, FAMILIAL; Hereditary breast cancer; hereditary breast carcinoma. Identifiers: Orphanet 227535, MedGen C0346153, MONDO:0016419, OMIM 114480. Disease mechanism: loss of function.
Fanconi anemia complementation group J. Also called: BRIP1-Related Fanconi Anemia. Identifiers: Orphanet 84, MedGen C1836860, MONDO:0012187, OMIM 609054.

Submissions (2):

Myriad Genetics, Inc.
Classification: Benign for Familial cancer of breast. Last evaluated: 2024-09-10. Review status: criteria provided, single submitter. Criteria: Myriad Autosomal Dominant, Autosomal Recessive and X-Linked Classification Criteria (2023). Collection method: clinical testing. Allele origin: unknown.
Comment: This variant is considered benign. This variant is a silent/synonymous amino acid change and it is not expected to impact splicing.

Labcorp Genetics (formerly Invitae), Labcorp
Classification: Likely benign for Familial cancer of breast; Fanconi anemia complementation group J. Last evaluated: 2023-03-16. Review status: criteria provided, single submitter. Criteria: Invitae Variant Classification Sherloc (09022015). Collection method: clinical testing. Allele origin: germline.